The following is an entry in ClinVar:

NM_032444.4(SLX4):c.4265C>T (p.Pro1422Leu)

Gene: SLX4 (SLX4 structure-specific endonuclease subunit; minus strand). Cytogenetic location: 16p13.3.
Variant type: single nucleotide variant.
Coding change: c.4265C>T on transcript NM_032444.4 (MANE Select); coding-DNA position 4265, C replaced by T.
Protein change: p.Pro1422Leu; replaces proline 1422 with leucine.
Molecular consequence: missense variant.
Genome position (GRCh38, 1-based): chr16:3,589,373, G>A on the plus strand (C>T on the coding strand, the complement: SLX4 is on the minus strand). VCF-style: chr16-3589373-G-A. GRCh37 (hg19) VCF-style: chr16-3639374-G-A.
Other names: short protein forms P1422L.
Identifiers: ClinVar variation 2078392 (VCV002078392.4), dbSNP rs2040547719, ClinGen allele CA394517892.

ClinVar aggregate classification (germline): Uncertain significance (1 of 4 stars; one submission).

Conditions:
Fanconi anemia (FA). Also called: Fanconi's anemia. Identifiers: Orphanet 84, MedGen C0015625, MeSH D005199, MONDO:0019391.

Allele frequency attached by ClinVar (database versions not stated): gnomAD exomes below 0.00001; TOPMed below 0.00001.
gnomAD v4.1: 1 of 1,588,606 alleles (0.000063%); highest among the groups gnomAD compares: African/African-American, 0.0013%; no homozygotes.

Submission:

Labcorp Genetics (formerly Invitae), Labcorp
Classification: Uncertain significance for Fanconi anemia. Last evaluated: 2022-07-09. Review status: criteria provided, single submitter. Criteria: Invitae Variant Classification Sherloc (09022015). Collection method: clinical testing. Allele origin: germline.
Comment: This sequence change replaces proline, which is neutral and non-polar, with leucine, which is neutral and non-polar, at codon 1422 of the SLX4 protein (p.Pro1422Leu). This variant is not present in population databases (gnomAD no frequency). This variant has not been reported in the literature in individuals affected with SLX4-related conditions. Algorithms developed to predict the effect of missense changes on protein structure and function are either unavailable or do not agree on the potential impact of this missense change (SIFT: "Deleterious"; PolyPhen-2: "Possibly Damaging"; Align-GVGD: "Class C0"). In summary, the available evidence is currently insufficient to determine the role of this variant in disease. Therefore, it has been classified as a Variant of Uncertain Significance.